The following is an entry in ClinVar:

ClinVar aggregate classification (germline): Uncertain significance (1 of 4 stars; one submission).

Allele frequency attached by ClinVar (database versions not stated): TOPMed below 0.00001; ExAC 0.00001.
gnomAD v4.1: 22 of 1,613,168 alleles (0.0014%); highest among the groups gnomAD compares: South Asian, 0.02%; no homozygotes.

Submission:

Labcorp Genetics (formerly Invitae), Labcorp
Classification: Uncertain significance. Last evaluated: 2022-03-10. Review status: criteria provided, single submitter. Criteria: Invitae Variant Classification Sherloc (09022015). Collection method: clinical testing. Allele origin: germline.
Comment: This variant has not been reported in the literature in individuals affected with KCNV2-related conditions. This variant is present in population databases (rs777405471, gnomAD 0.02%). This sequence change replaces alanine, which is neutral and non-polar, with valine, which is neutral and non-polar, at codon 322 of the KCNV2 protein (p.Ala322Val). ClinVar contains an entry for this variant (Variation ID: 950811). In summary, the available evidence is currently insufficient to determine the role of this variant in disease. Therefore, it has been classified as a Variant of Uncertain Significance. Advanced modeling of protein sequence and biophysical properties (such as structural, functional, and spatial information, amino acid conservation, physicochemical variation, residue mobility, and thermodynamic stability) performed at Invitae indicates that this missense variant is not expected to disrupt KCNV2 protein function.

NM_133497.4(KCNV2):c.965C>T (p.Ala322Val)

Gene: KCNV2 (potassium voltage-gated channel modifier subfamily V member 2; plus strand). Cytogenetic location: 9p24.2.
Variant type: single nucleotide variant.
Coding change: c.965C>T on transcript NM_133497.4 (MANE Select); coding-DNA position 965, C replaced by T.
Protein change: p.Ala322Val; replaces alanine 322 with valine.
Molecular consequence: missense variant.
Genome position (GRCh38, 1-based): chr9:2,718,704, C>T. VCF-style: chr9-2718704-C-T. GRCh37 (hg19) VCF-style: chr9-2718704-C-T.
Other names: short protein forms A322V.
Identifiers: ClinVar variation 950811 (VCV000950811.7), dbSNP rs777405471, ClinGen allele CA4965705.